The following is an entry in ClinVar:

ClinVar aggregate classification (germline): Uncertain significance. Review status: criteria provided, multiple submitters, no conflicts (2 of 4 stars). 2 submissions from 2 submitters: Uncertain significance (2). Last evaluated 2022-01-25.

Conditions:
Schimke immuno-osseous dysplasia (SIOD). Also called: Schimke Immunoosseous Dysplasia. Identifiers: Orphanet 1830, MedGen C0877024, MONDO:0009458, OMIM 242900.

Submissions (2):

Fulgent Genetics
Classification: Uncertain significance for Schimke immuno-osseous dysplasia. Last evaluated: 2022-01-25. Review status: criteria provided, single submitter. Criteria: ACMG Guidelines, 2015. Collection method: clinical testing. Allele origin: unknown.

Labcorp Genetics (formerly Invitae), Labcorp
Classification: Uncertain significance for Schimke immuno-osseous dysplasia. Last evaluated: 2021-12-07. Review status: criteria provided, single submitter. Criteria: Invitae Variant Classification Sherloc (09022015). Collection method: clinical testing. Allele origin: germline.
Comment: This sequence change creates a premature translational stop signal (p.Phe941Leufs*31) in the SMARCAL1 gene. While this is not anticipated to result in nonsense mediated decay, it is expected to disrupt the last 14 amino acid(s) of the SMARCAL1 protein. This variant is present in population databases (rs774004064, gnomAD 0.007%). This variant has not been reported in the literature in individuals affected with SMARCAL1-related conditions. In summary, the available evidence is currently insufficient to determine the role of this variant in disease. Therefore, it has been classified as a Variant of Uncertain Significance.

NM_014140.4(SMARCAL1):c.2823del (p.Phe941fs)

Gene: SMARCAL1 (SNF2 related chromatin remodeling annealing helicase 1; plus strand). Cytogenetic location: 2q35.
Variant type: Deletion.
Coding change: c.2823del on transcript NM_014140.4 (MANE Select); coding-DNA position 2823, one base deleted (T; older notation c.2823delT).
Protein change: p.Phe941fs; shifts the reading frame from phenylalanine 941.
Molecular consequence: frameshift variant.
Genome position (GRCh38, 1-based): chr2:216,482,935, T deleted; the last of 3 consecutive T bases (chr2:216,482,933-216,482,935); deleting any one gives the same sequence. VCF-style (leftmost placement, unchanged base first): chr2-216482932-AT-A. GRCh37 (hg19) VCF-style: chr2-217347655-AT-A.
Other names: c.2823del, p.Phe941fs (NM_001127207.2); short protein forms F941fs.
Identifiers: ClinVar variation 1430103 (VCV001430103.4), dbSNP rs774004064, ClinGen allele CA2098310.